The following is an entry in ClinVar:

NM_004168.4(SDHA):c.186T>A (p.Phe62Leu)

Gene: SDHA (succinate dehydrogenase complex flavoprotein subunit A; plus strand). Cytogenetic location: 5p15.33.
Variant type: single nucleotide variant.
Coding change: c.186T>A on transcript NM_004168.4 (MANE Select); coding-DNA position 186, T replaced by A.
Protein change: p.Phe62Leu; replaces phenylalanine 62 with leucine.
Molecular consequence: missense variant.
Genome position (GRCh38, 1-based): chr5:224,395, T>A. VCF-style: chr5-224395-T-A. GRCh37 (hg19) VCF-style: chr5-224510-T-A.
Other names: c.186T>A, p.Phe62Leu (NM_001294332.2, NM_001330758.2); short protein forms F62L.
Identifiers: ClinVar variation 4789752 (VCV004789752.1).

ClinVar aggregate classification (germline): Uncertain significance (1 of 4 stars; one submission).

Conditions:
Mitochondrial complex II deficiency, nuclear type 1. Also called: SUCCINATE CoQ REDUCTASE DEFICIENCY. Identifiers: Orphanet 3208, MedGen C5700310, MONDO:0100294, OMIM 252011.
Pheochromocytoma/paraganglioma syndrome 5. Also called: Paragangliomas 5; SDHA-Related Hereditary Paraganglioma-Pheochromocytoma Syndrome. Identifiers: Orphanet 29072, MedGen C3279992, MONDO:0013602, OMIM 614165.

Submission:

Labcorp Genetics (formerly Invitae), Labcorp
Classification: Uncertain significance for Pheochromocytoma/paraganglioma syndrome 5; Mitochondrial complex II deficiency, nuclear type 1. Last evaluated: 2025-08-25. Review status: criteria provided, single submitter. Criteria: Invitae Variant Classification Sherloc (09022015). Collection method: clinical testing. Allele origin: germline.
Comment: This sequence change replaces phenylalanine, which is neutral and non-polar, with leucine, which is neutral and non-polar, at codon 62 of the SDHA protein (p.Phe62Leu). This variant is not present in population databases (gnomAD no frequency). This variant has not been reported in the literature in individuals affected with SDHA-related conditions. Invitae Evidence Modeling of protein sequence and biophysical properties (such as structural, functional, and spatial information, amino acid conservation, physicochemical variation, residue mobility, and thermodynamic stability) indicates that this missense variant is not expected to disrupt SDHA protein function with a negative predictive value of 95%. In summary, the available evidence is currently insufficient to determine the role of this variant in disease. Therefore, it has been classified as a Variant of Uncertain Significance.